The following is an entry in ClinVar:

ClinVar aggregate classification (germline): Uncertain significance. Review status: criteria provided, multiple submitters, no conflicts (2 of 4 stars). 4 submissions from 4 submitters: Uncertain significance (4). Last evaluated 2025-11-02.

Conditions:
Hereditary nonpolyposis colorectal neoplasms. Identifiers: MedGen C0009405, MeSH D003123.
Hereditary cancer-predisposing syndrome. Also called: Neoplastic Syndromes, Hereditary; Tumor predisposition; Hereditary Cancer Syndrome; Hereditary neoplastic syndrome. Identifiers: Orphanet 140162, MedGen C0027672, MeSH D009386, MONDO:0015356.

Submissions (4):

Labcorp Genetics (formerly Invitae), Labcorp
Classification: Uncertain significance for Hereditary nonpolyposis colorectal neoplasms. Last evaluated: 2025-11-02. Review status: criteria provided, single submitter. Criteria: Invitae Variant Classification Sherloc (09022015). Collection method: clinical testing. Allele origin: germline.
Comment: This sequence change replaces proline, which is neutral and non-polar, with alanine, which is neutral and non-polar, at codon 11 of the PMS2 protein (p.Pro11Ala). This variant is not present in population databases (gnomAD no frequency). This variant has not been reported in the literature in individuals affected with PMS2-related conditions. ClinVar contains an entry for this variant (Variation ID: 484286). Invitae Evidence Modeling incorporating data from in vitro experimental studies (internal data) indicates that this missense variant is not expected to disrupt PMS2 function with a negative predictive value of 95%. In summary, the available evidence is currently insufficient to determine the role of this variant in disease. Therefore, it has been classified as a Variant of Uncertain Significance.

Ambry Genetics
Classification: Uncertain significance for Hereditary cancer-predisposing syndrome. Last evaluated: 2024-08-26. Review status: criteria provided, single submitter. Criteria: Ambry Variant Classification Scheme 2023. Collection method: clinical testing. Allele origin: germline.
Comment: The p.P11A variant (also known as c.31C>G), located in coding exon 2 of the PMS2 gene, results from a C to G substitution at nucleotide position 31. The proline at codon 11 is replaced by alanine, an amino acid with highly similar properties. This amino acid position is poorly conserved in available vertebrate species. In addition, this alteration is predicted to be tolerated by in silico analysis. Since supporting evidence is limited at this time, the clinical significance of this alteration remains unclear.

GeneDx
Classification: Uncertain significance. Last evaluated: 2024-03-18. Review status: criteria provided, single submitter. Criteria: GeneDx Variant Classification Process June 2021. Collection method: clinical testing. Allele origin: germline. Affected: yes.
Comment: Not observed at significant frequency in large population cohorts (gnomAD); In silico analysis supports that this missense variant has a deleterious effect on protein structure/function; This variant is associated with the following publications: (PMID: 11574484)

Color Diagnostics, LLC DBA Color Health
Classification: Uncertain significance for Hereditary cancer-predisposing syndrome. Last evaluated: 2018-10-31. Review status: criteria provided, single submitter. Criteria: ACMG Guidelines, 2015. Collection method: clinical testing. Allele origin: germline.

NM_000535.7(PMS2):c.31C>G (p.Pro11Ala)

Gene: PMS2 (PMS1 homolog 2, mismatch repair system component; minus strand). Cytogenetic location: 7p22.1.
Variant type: single nucleotide variant.
Coding change: c.31C>G on transcript NM_000535.7 (MANE Select); coding-DNA position 31, C replaced by G.
Protein change: p.Pro11Ala; replaces proline 11 with alanine.
Molecular consequence: missense variant. On other transcripts: 5 prime UTR variant (8), non-coding transcript variant (1), intron variant (3).
Genome position (GRCh38, 1-based): chr7:6,006,024, G>C on the plus strand (C>G on the coding strand, the complement: PMS2 is on the minus strand). VCF-style: chr7-6006024-G-C. GRCh37 (hg19) VCF-style: chr7-6045655-G-C.
Other names: c.-375C>G (NM_001322003.2, NM_001322005.2, NM_001322009.2 and 1 more transcripts); c.31C>G, p.Pro11Ala (NM_001322006.2, NM_001322014.2); c.-185C>G (NM_001322007.2); c.-854C>G (NM_001322011.2, NM_001322012.2); c.-454C>G (NM_001322015.2); c.-52-1966C>G (NM_001322008.2); c.-242-1966C>G (NM_001322010.2, NM_001322004.2); short protein forms P11A.
Identifiers: ClinVar variation 484286 (VCV000484286.18), dbSNP rs1554306608, ClinGen allele CA366745190.